The following is an entry in ClinVar:

ClinVar aggregate classification (germline): Likely pathogenic (1 of 4 stars; one submission).

Conditions:
Autosomal recessive nonsyndromic hearing loss 77. Identifiers: Orphanet 90636, MedGen C2746083, MONDO:0013119, OMIM 613079.

Submission:

Institute of Rare Diseases, West China Hospital, Sichuan University
Classification: Likely pathogenic for Autosomal recessive nonsyndromic hearing loss 77. Last evaluated: 2025-01-09. Review status: criteria provided, single submitter. Criteria: ClinGen HL ACMG Specifications v1. Collection method: research. Allele origin: germline. Affected: yes.
Comment: PVS1;PM2_Supporting

NM_001384474.1(LOXHD1):c.5864G>A (p.Trp1955Ter)

Gene: LOXHD1 (lipoxygenase homology PLAT domains 1; minus strand). Cytogenetic location: 18q21.1.
Variant type: single nucleotide variant.
Coding change: c.5864G>A on transcript NM_001384474.1 (MANE Select); coding-DNA position 5864, G replaced by A.
Protein change: p.Trp1955Ter; replaces tryptophan 1955 with a stop codon.
Molecular consequence: nonsense.
Genome position (GRCh38, 1-based): chr18:46,505,852, C>T on the plus strand (G>A on the coding strand, the complement: LOXHD1 is on the minus strand). VCF-style: chr18-46505852-C-T. GRCh37 (hg19) VCF-style: chr18-44085815-C-T.
Other names: c.2531G>A, p.Trp844Ter (NM_001145472.3); c.581G>A, p.Trp194Ter (NM_001145473.3, NM_001173129.2); c.2243G>A, p.Trp748Ter (NM_001308013.2); c.5678G>A, p.Trp1893Ter (NM_144612.7); short protein forms W1893*, W194*, W1955*, W748*, W844*.
Identifiers: ClinVar variation 3601208 (VCV003601208.1).
Genomic context (GRCh38, chr18:46,505,852, plus strand): 5'-AGCTGAGGGCTGCCCTCCCACCAACCTGGCCTTGAGTGGGAGCTACCTTTGTTGTCGTGC[C>T]AGACCCTCAGCTTGCAGAGGTGGCCCAAGCTCAGCATGTCAGGGAAGTTGAATGTGTCCG-3'